The following is an entry in ClinVar:

ClinVar aggregate classification (germline): Uncertain significance. Review status: criteria provided, multiple submitters, no conflicts (2 of 4 stars). 2 submissions from 2 submitters: Uncertain significance (2). Last evaluated 2026-01-11.

Conditions:
Inborn genetic diseases. Identifiers: MedGen C0950123, MeSH D030342.
Hereditary sensory neuropathy-deafness-dementia syndrome. Also called: HSN IE; Hereditary sensory neuropathy type IE; NEUROPATHY, HEREDITARY SENSORY, WITH HEARING LOSS AND DEMENTIA; Hereditary Sensory and Autonomic Neuropathy Type 1E (HSAN1E). Identifiers: Orphanet 456318, MedGen C3279885, MONDO:0013584, OMIM 614116.

Allele frequency attached by ClinVar (database versions not stated): ExAC 0.00002; gnomAD exomes 0.00002 and 0.00004; TOPMed 0.00003; ESP Exome Variant Server 0.00008.
gnomAD v4.1: 57 of 1,614,158 alleles (0.0035%); highest among the groups gnomAD compares: Non-Finnish European, 0.0044%; no homozygotes.

Submissions (2):

Labcorp Genetics (formerly Invitae), Labcorp
Classification: Uncertain significance for Hereditary sensory neuropathy-deafness-dementia syndrome. Last evaluated: 2026-01-11. Review status: criteria provided, single submitter. Criteria: Invitae Variant Classification Sherloc (09022015). Collection method: clinical testing. Allele origin: germline.
Comment: This sequence change replaces glycine, which is neutral and non-polar, with arginine, which is basic and polar, at codon 110 of the DNMT1 protein (p.Gly110Arg). This variant is present in population databases (rs376894659, gnomAD 0.004%). This variant has not been reported in the literature in individuals affected with DNMT1-related conditions. ClinVar contains an entry for this variant (Variation ID: 472270). An algorithm developed to predict the effect of missense changes on protein structure and function (PolyPhen-2) suggests that this variant is likely to be tolerated. In summary, the available evidence is currently insufficient to determine the role of this variant in disease. Therefore, it has been classified as a Variant of Uncertain Significance.

Ambry Genetics
Classification: Uncertain significance for Inborn genetic diseases. Last evaluated: 2019-10-30. Review status: criteria provided, single submitter. Criteria: Ambry Variant Classification Scheme 2023. Collection method: clinical testing. Allele origin: germline.
Comment: The p.G110R variant (also known as c.328G>A), located in coding exon 4 of the DNMT1 gene, results from a G to A substitution at nucleotide position 328. The glycine at codon 110 is replaced by arginine, an amino acid with dissimilar properties. This amino acid position is well conserved in available vertebrate species. In addition, the in silico prediction for this alteration is inconclusive. Since supporting evidence is limited at this time, the clinical significance of this alteration remains unclear.

NM_001130823.3(DNMT1):c.328G>A (p.Gly110Arg)

Gene: DNMT1 (DNA methyltransferase 1; minus strand). Cytogenetic location: 19p13.2.
Variant type: single nucleotide variant.
Coding change: c.328G>A on transcript NM_001130823.3 (MANE Select); coding-DNA position 328, G replaced by A.
Protein change: p.Gly110Arg; replaces glycine 110 with arginine.
Molecular consequence: missense variant. On other transcripts: 5 prime UTR variant (1).
Genome position (GRCh38, 1-based): chr19:10,180,467, C>T on the plus strand (G>A on the coding strand, the complement: DNMT1 is on the minus strand). VCF-style: chr19-10180467-C-T. GRCh37 (hg19) VCF-style: chr19-10291143-C-T.
Other names: c.328G>A (LRG_362t1); c.328G>A, p.Gly110Arg (NM_001318730.2, NM_001379.4); c.-36G>A (NM_001318731.2); short protein forms G110R.
Identifiers: ClinVar variation 472270 (VCV000472270.9), dbSNP rs376894659, ClinGen allele CA9188794.